The following is an entry in ClinVar:

NM_000069.3(CACNA1S):c.3910A>C (p.Asn1304His)

Gene: CACNA1S (calcium voltage-gated channel subunit alpha1 S; minus strand). Cytogenetic location: 1q32.1.
Variant type: single nucleotide variant.
Coding change: c.3910A>C on transcript NM_000069.3 (MANE Select); coding-DNA position 3910, A replaced by C.
Protein change: p.Asn1304His; replaces asparagine 1304 with histidine.
Molecular consequence: missense variant.
Genome position (GRCh38, 1-based): chr1:201,052,600, T>G on the plus strand (A>C on the coding strand, the complement: CACNA1S is on the minus strand). VCF-style: chr1-201052600-T-G. GRCh37 (hg19) VCF-style: chr1-201021728-T-G.
Other names: short protein forms N1304H.
Identifiers: ClinVar variation 3072833 (VCV003072833.1), dbSNP rs2464454241, ClinGen allele CA344152402.
Genomic context (GRCh38, chr1:201,052,600, plus strand): 5'-TGGCGGGAGACGCGTGCCTGAAGAGCAGTAGCACAGCTTGTGGGAAGGTCTGGAAGTTGT[T>G]GTTCCGGTTTATTTGGGTCCCATCCACCAAGGCGATCTTCCCAAACATCTGCAAGTCACA-3'
Protein context (NP_000060.2, residues 1294-1314): LVDGTQINRN[Asn1304His]NFQTFPQAVL

ClinVar aggregate classification (germline): Uncertain significance (1 of 4 stars; one submission).

Conditions:
Malignant hyperthermia, susceptibility to, 5 (MHS5). Also called: CACNA1S-Related Malignant Hyperthermia Susceptibility. Identifiers: Orphanet 423, MedGen C1866077, MONDO:0011163, OMIM 601887.

Submission:

All of Us Research Program, National Institutes of Health
Classification: Uncertain significance for Malignant hyperthermia, susceptibility to, 5. Last evaluated: 2023-08-15. Review status: criteria provided, single submitter. Criteria: ACMG Guidelines, 2015. Collection method: clinical testing. Allele origin: germline. Inheritance: Autosomal dominant inheritance. Observed: 1 variant allele, 1 heterozygote.
Comment: This study involves interpretation of variants in research participants for the purpose of population health screening. Participant phenotype was not available at the time of variant classification. Additional details can be found in publication PMID: 35346344, PMCID: PMC8962531